The following is an entry in ClinVar:

ClinVar aggregate classification (germline): Likely benign (0 of 4 stars; one submission).

Conditions:
IFNLR1-related disorder. Also called: IFNLR1-related condition.

Allele frequency attached by ClinVar (database versions not stated): ESP Exome Variant Server 0.00054; 1000 Genomes Project 0.00060; 1000 Genomes Project 30x 0.00062; gnomAD 0.00080; TOPMed 0.00089.
gnomAD v4.1: 306 of 1,608,718 alleles (0.019%); highest among the groups gnomAD compares: African/African-American, 0.31%; 3 homozygotes.

Submission:

PreventionGenetics, part of Exact Sciences
Classification: Likely benign for IFNLR1-related condition. Last evaluated: 2021-09-17. Review status: no assertion criteria provided. Collection method: clinical testing. Allele origin: germline.
Comment: This variant is classified as likely benign based on ACMG/AMP sequence variant interpretation guidelines (Richards et al. 2015 PMID: 25741868, with internal and published modifications).

NM_170743.4(IFNLR1):c.1084G>C (p.Ala362Pro)

Gene: IFNLR1 (interferon lambda receptor 1; minus strand). Cytogenetic location: 1p36.11.
Variant type: single nucleotide variant.
Coding change: c.1084G>C on transcript NM_170743.4 (MANE Select); coding-DNA position 1084, G replaced by C.
Protein change: p.Ala362Pro; replaces alanine 362 with proline.
Molecular consequence: missense variant. On other transcripts: 3 prime UTR variant (1).
Genome position (GRCh38, 1-based): chr1:24,157,609, C>G on the plus strand (G>C on the coding strand, the complement: IFNLR1 is on the minus strand). VCF-style: chr1-24157609-C-G. GRCh37 (hg19) VCF-style: chr1-24484099-C-G.
Other names: c.997G>C, p.Ala333Pro (NM_173064.3); c.*218G>C (NM_173065.3); short protein forms A333P, A362P.
Identifiers: ClinVar variation 3043616 (VCV003043616.2), dbSNP rs141659592, ClinGen allele CA689457.